The following is an entry in ClinVar:

ClinVar aggregate classification (germline): Uncertain significance (1 of 4 stars; one submission).

Allele frequency attached by ClinVar (database versions not stated): TOPMed below 0.00001; gnomAD 0.00001.
gnomAD v4.1: 1 of 1,580,148 alleles (0.000063%); highest among the groups gnomAD compares: African/African-American, 0.0014%; no homozygotes.

Submission:

Ambry Genetics
Classification: Uncertain significance. Last evaluated: 2024-04-19. Review status: criteria provided, single submitter. Criteria: Ambry Variant Classification Scheme 2023. Collection method: clinical testing. Allele origin: germline.
Comment: The p.N181S variant (also known as c.542A>G), located in coding exon 5 of the RECQL gene, results from an A to G substitution at nucleotide position 542. The asparagine at codon 181 is replaced by serine, an amino acid with highly similar properties. This amino acid position is not well conserved in available vertebrate species. In addition, this alteration is predicted to be tolerated by in silico analysis. Since supporting evidence is limited at this time, the clinical significance of this alteration remains unclear.

NM_002907.4(RECQL):c.542A>G (p.Asn181Ser)

Gene: RECQL (RecQ like helicase; minus strand). Cytogenetic location: 12p12.1.
Variant type: single nucleotide variant.
Coding change: c.542A>G on transcript NM_002907.4 (MANE Select); coding-DNA position 542, A replaced by G.
Protein change: p.Asn181Ser; replaces asparagine 181 with serine.
Molecular consequence: missense variant.
Genome position (GRCh38, 1-based): chr12:21,483,534, T>C on the plus strand (A>G on the coding strand, the complement: RECQL is on the minus strand). VCF-style: chr12-21483534-T-C. GRCh37 (hg19) VCF-style: chr12-21636468-T-C.
Other names: c.542A>G, p.Asn181Ser (NM_032941.3); short protein forms N181S.
Identifiers: ClinVar variation 1747484 (VCV001747484.3), dbSNP rs961953195, ClinGen allele CA233574561.